The following is an entry in ClinVar:

ClinVar aggregate classification (germline): Uncertain significance (1 of 4 stars; one submission).

Allele frequency attached by ClinVar (database versions not stated): ExAC 0.00002; TOPMed below 0.00001; gnomAD 0.00001; gnomAD exomes below 0.00001.
gnomAD v4.1: 5 of 1,611,520 alleles (0.00031%); highest among the groups gnomAD compares: Middle Eastern, 0.033%; no homozygotes.

Submission:

Labcorp Genetics (formerly Invitae), Labcorp
Classification: Uncertain significance. Last evaluated: 2025-03-11. Review status: criteria provided, single submitter. Criteria: Invitae Variant Classification Sherloc (09022015). Collection method: clinical testing. Allele origin: germline.
Comment: This sequence change replaces arginine, which is basic and polar, with serine, which is neutral and polar, at codon 129 of the IFT88 protein (p.Arg129Ser). This variant is present in population databases (rs759861534, gnomAD 0.002%). This variant has not been reported in the literature in individuals affected with IFT88-related conditions. ClinVar contains an entry for this variant (Variation ID: 2154773). An algorithm developed to predict the effect of missense changes on protein structure and function (PolyPhen-2) suggests that this variant is likely to be tolerated. In summary, the available evidence is currently insufficient to determine the role of this variant in disease. Therefore, it has been classified as a Variant of Uncertain Significance.

NM_006531.5(IFT88):c.360G>C (p.Arg120Ser)

Gene: IFT88 (intraflagellar transport 88; plus strand). Cytogenetic location: 13q12.11.
Variant type: single nucleotide variant.
Coding change: c.360G>C on transcript NM_006531.5 (MANE Select); coding-DNA position 360, G replaced by C.
Protein change: p.Arg120Ser; replaces arginine 120 with serine.
Molecular consequence: missense variant. On other transcripts: non-coding transcript variant (5), intron variant (1).
Genome position (GRCh38, 1-based): chr13:20,592,366, G>C. VCF-style: chr13-20592366-G-C. GRCh37 (hg19) VCF-style: chr13-21166505-G-C.
Other names: c.303G>C, p.Arg101Ser (NM_001318491.2, NM_001353573.2, NM_001353574.2 and 1 more transcripts); c.387G>C, p.Arg129Ser (NM_001318493.2, NM_001353565.2, NM_001353566.2 and 6 more transcripts); c.360G>C, p.Arg120Ser (NM_001353568.2, NM_001353571.2, NM_001353572.2 and 1 more transcripts); c.-236+685G>C (NM_001353579.2); short protein forms R101S, R120S, R129S.
Identifiers: ClinVar variation 2154773 (VCV002154773.4), dbSNP rs759861534, ClinGen allele CA6905056.
Genomic context (GRCh38, chr13:20,592,366, plus strand): 5'-TGAATATTAACTCTTGAATTGTGTCTCAGGCTCTGCATTTGACCCCCTTAGTCAGTCAAG[G>C]GGCCCTGCTTCCCCTTTGGAAGCCAAGAAAAAAGATAGGTATGTAAGTCCTTATGTTGTT-3'
Protein context (NP_006522.2, residues 110-130): GSAFDPLSQS[Arg120Ser]GPASPLEAKK